The following is an entry in ClinVar:

ClinVar aggregate classification (germline): Uncertain significance. Review status: criteria provided, multiple submitters, no conflicts (2 of 4 stars). 2 submissions from 2 submitters: Uncertain significance (2). Last evaluated 2024-10-23.

Conditions:
Cornelia de Lange syndrome 4 (CDLS4). Also called: CORNELIA DE LANGE SYNDROME 4 WITH OR WITHOUT MIDLINE BRAIN DEFECTS; RAD21-Related Cornelia de Lange Syndrome. Identifiers: Orphanet 199, MedGen C3553517, MONDO:0013864, OMIM 614701.

Submissions (2):

Labcorp Genetics (formerly Invitae), Labcorp
Classification: Uncertain significance for Cornelia de Lange syndrome 4. Last evaluated: 2024-10-23. Review status: criteria provided, single submitter. Criteria: Invitae Variant Classification Sherloc (09022015). Collection method: clinical testing. Allele origin: germline.
Comment: This sequence change replaces leucine, which is neutral and non-polar, with serine, which is neutral and polar, at codon 581 of the RAD21 protein (p.Leu581Ser). This variant is not present in population databases (gnomAD no frequency). This variant has not been reported in the literature in individuals affected with RAD21-related conditions. ClinVar contains an entry for this variant (Variation ID: 1690430). Invitae Evidence Modeling of protein sequence and biophysical properties (such as structural, functional, and spatial information, amino acid conservation, physicochemical variation, residue mobility, and thermodynamic stability) has been performed for this missense variant. However, the output from this modeling did not meet the statistical confidence thresholds required to predict the impact of this variant on RAD21 protein function. In summary, the available evidence is currently insufficient to determine the role of this variant in disease. Therefore, it has been classified as a Variant of Uncertain Significance.

Laboratorio de Genetica e Diagnostico Molecular, Hospital Israelita Albert Einstein
Classification: Uncertain significance. Last evaluated: 2021-09-02. Review status: criteria provided, single submitter. Criteria: ACMG Guidelines, 2015. Collection method: clinical testing. Allele origin: germline. Affected: yes.
Comment: ACMG classification criteria: PM2, PP3

NM_006265.3(RAD21):c.1742T>C (p.Leu581Ser)

Gene: RAD21 (RAD21 cohesin complex component; minus strand). Cytogenetic location: 8q24.11.
Variant type: single nucleotide variant.
Coding change: c.1742T>C on transcript NM_006265.3 (MANE Select); coding-DNA position 1742, T replaced by C.
Protein change: p.Leu581Ser; replaces leucine 581 with serine.
Molecular consequence: missense variant.
Genome position (GRCh38, 1-based): chr8:116,847,654, A>G on the plus strand (T>C on the coding strand, the complement: RAD21 is on the minus strand). VCF-style: chr8-116847654-A-G. GRCh37 (hg19) VCF-style: chr8-117859893-A-G.
Other names: short protein forms L581S.
Identifiers: ClinVar variation 1690430 (VCV001690430.8), dbSNP rs2130450108, ClinGen allele CA371990416.